The following is an entry in ClinVar:

ClinVar aggregate classification (germline): Pathogenic (1 of 4 stars; one submission).

Conditions:
Neurofibromatosis, type 1 (NF1). Also called: VON RECKLINGHAUSEN DISEASE; Peripheral type neurofibromatosis; Neurofibromatosis, type I; NEUROFIBROMATOSIS, TYPE I, SOMATIC. Identifiers: Orphanet 636, MedGen C0027831, MONDO:0018975, OMIM 162200. Disease mechanism: loss of function.

Submission:

Labcorp Genetics (formerly Invitae), Labcorp
Classification: Pathogenic for Neurofibromatosis, type 1. Last evaluated: 2023-01-06. Review status: criteria provided, single submitter. Criteria: Invitae Variant Classification Sherloc (09022015). Collection method: clinical testing. Allele origin: germline.
Comment: This sequence change creates a premature translational stop signal (p.Asn412Lysfs*17) in the NF1 gene. It is expected to result in an absent or disrupted protein product. Loss-of-function variants in NF1 are known to be pathogenic (PMID: 10712197, 23913538). For these reasons, this variant has been classified as Pathogenic. This variant has not been reported in the literature in individuals affected with NF1-related conditions. This variant is not present in population databases (gnomAD no frequency).

Literature cited by the submitters: PubMed 10712197; PubMed 23913538.

NM_001042492.3(NF1):c.1235dup (p.Asn412fs)

Gene: NF1 (neurofibromin 1; plus strand). Cytogenetic location: 17q11.2.
Variant type: Duplication.
Coding change: c.1235dup on transcript NM_001042492.3 (MANE Select); coding-DNA position 1235, one base duplicated (A; older notation c.1235dupA).
Protein change: p.Asn412fs; shifts the reading frame from asparagine 412.
Molecular consequence: frameshift variant.
Genome position (GRCh38, 1-based): chr17:31,201,460, A duplicated; the last of 3 consecutive A bases (chr17:31,201,458-31,201,460); duplicating any one gives the same sequence. VCF-style (leftmost placement, unchanged base first): chr17-31201457-T-TA. GRCh37 (hg19) VCF-style: chr17-29528475-T-TA.
Other names: c.1235dup, p.Asn412Lysfs (NM_000267.4); c.1235dup, p.Asn412fs (NM_001128147.3); short protein forms N412fs.
Identifiers: ClinVar variation 2826596 (VCV002826596.3), dbSNP rs2143886422, ClinGen allele CA2739267339.